The following is an entry in ClinVar:

ClinVar aggregate classification (germline): Uncertain significance. Review status: criteria provided, multiple submitters, no conflicts (2 of 4 stars). 9 submissions from 9 submitters: Uncertain significance (8). 1 of the submissions does not count toward it. Last evaluated 2026-09-10.

Conditions:
MMACHC-related disorder. Also called: MMACHC-related condition.
Cobalamin C disease. Also called: Cobalamin-C methylmalonic acidemia and homocystinuria; Methylmalonic acidemia and homocystinuria cblC type; Methylmalonic aciduria with homocystinuria cblC type; methylmalonic aciduria and homocystinuria type cblC; Methylmalonic aciduria and homocystinuria, Vitamin B12-responsive; Vitamin B12 metabolic defect with combined deficiency of methylmalonyl-CoA mutase and homocysteine:methyltetrahydrofolate methyltransferase. Identifiers: Orphanet 26, Orphanet 79282, MedGen C1848561, MONDO:0010184, OMIM 277400.

Allele frequency attached by ClinVar (database versions not stated): gnomAD 0.00001; TOPMed 0.00002; ESP Exome Variant Server 0.00008.
gnomAD v4.1: 18 of 1,614,046 alleles (0.0011%); highest among the groups gnomAD compares: Middle Eastern, 0.033%; no homozygotes.

Submissions (9):

PreventionGenetics, part of Exact Sciences
Classification: Uncertain significance for MMACHC-related condition. Last evaluated: 2026-09-10. Review status: criteria provided, single submitter. Criteria: ACMG Guidelines, 2015. Collection method: clinical testing. Allele origin: germline.
Comment: The MMACHC c.545G>A variant is predicted to result in the amino acid substitution p.Cys182Tyr. To our knowledge, this variant has not been reported in the literature. This variant is reported in 0.0035% of alleles in individuals of European (Non-Finnish) descent in gnomAD. At this time, the clinical significance of this variant is uncertain due to the absence of conclusive functional and genetic evidence.

GeneDx
Classification: Uncertain significance. Last evaluated: 2025-06-01. Review status: criteria provided, single submitter. Criteria: GeneDx Variant Classification Process June 2021. Collection method: clinical testing. Allele origin: germline. Affected: yes.
Comment: Not observed at significant frequency in large population cohorts (gnomAD); In silico analysis supports that this missense variant has a deleterious effect on protein structure/function; Has not been previously published as pathogenic or benign to our knowledge

Genomic Medicine Center of Excellence, King Faisal Specialist Hospital and Research Centre
Classification: Uncertain significance for Cobalamin C disease. Last evaluated: 2024-12-19. Review status: criteria provided, single submitter. Criteria: ACMG Guidelines, 2015. Collection method: clinical testing. Allele origin: germline.

Genome-Nilou Lab
Classification: Uncertain significance for Cobalamin C disease. Last evaluated: 2023-04-11. Review status: criteria provided, single submitter. Criteria: ACMG Guidelines, 2015. Collection method: clinical testing. Allele origin: germline. Affected: no.

Fulgent Genetics
Classification: Uncertain significance for Cobalamin C disease. Last evaluated: 2022-03-11. Review status: criteria provided, single submitter. Criteria: ACMG Guidelines, 2015. Collection method: clinical testing. Allele origin: unknown.

Labcorp Genetics (formerly Invitae), Labcorp
Classification: Uncertain significance for Cobalamin C disease. Last evaluated: 2021-08-20. Review status: criteria provided, single submitter. Criteria: Invitae Variant Classification Sherloc (09022015). Collection method: clinical testing. Allele origin: germline.
Comment: This sequence change replaces cysteine with tyrosine at codon 182 of the MMACHC protein (p.Cys182Tyr). The cysteine residue is highly conserved and there is a large physicochemical difference between cysteine and tyrosine. This variant is present in population databases (rs372010149, ExAC 0.007%). This variant has not been reported in the literature in individuals affected with MMACHC-related conditions. ClinVar contains an entry for this variant (Variation ID: 297487). Algorithms developed to predict the effect of missense changes on protein structure and function are either unavailable or do not agree on the potential impact of this missense change (SIFT: "Deleterious"; PolyPhen-2: "Probably Damaging"; Align-GVGD: "Class C0"). In summary, the available evidence is currently insufficient to determine the role of this variant in disease. Therefore, it has been classified as a Variant of Uncertain Significance.

Institute of Human Genetics, University of Leipzig Medical Center
Classification: Uncertain significance for Cobalamin C disease. Last evaluated: 2021-06-10. Review status: criteria provided, single submitter. Criteria: ACMG Guidelines, 2015. Collection method: clinical testing. Allele origin: inherited. Affected: yes.
Comment: This variant was identified as homozygous.

Blueprint Genetics
Classification: Uncertain significance. Last evaluated: 2019-10-08. Review status: criteria provided, single submitter. Criteria: ACMG Guidelines, 2015. Collection method: clinical testing. Allele origin: germline.

Natera, Inc.
Classification: Uncertain significance for Methylmalonic aciduria with homocystinuria cblC type. Last evaluated: 2020-09-16. Review status: no assertion criteria provided. Collection method: clinical testing. Allele origin: germline. Not counted in ClinVar's aggregate classification.

NM_015506.3(MMACHC):c.545G>A (p.Cys182Tyr)

Gene: MMACHC (metabolism of cobalamin associated C; plus strand). Cytogenetic location: 1p34.1.
Variant type: single nucleotide variant.
Coding change: c.545G>A on transcript NM_015506.3 (MANE Select); coding-DNA position 545, G replaced by A.
Protein change: p.Cys182Tyr; replaces cysteine 182 with tyrosine.
Molecular consequence: missense variant.
Genome position (GRCh38, 1-based): chr1:45,508,911, G>A. VCF-style: chr1-45508911-G-A. GRCh37 (hg19) VCF-style: chr1-45974583-G-A.
Other names: c.374G>A, p.Cys125Tyr (NM_001330540.2); short protein forms C182Y, C125Y.
Identifiers: ClinVar variation 297487 (VCV000297487.16), dbSNP rs372010149, ClinGen allele CA827783.